The following is an entry in ClinVar:

NM_018389.5(SLC35C1):c.1013C>T (p.Thr338Ile)

Gene: SLC35C1 (solute carrier family 35 member C1; plus strand). Cytogenetic location: 11p11.2.
Variant type: single nucleotide variant.
Coding change: c.1013C>T on transcript NM_018389.5 (MANE Select); coding-DNA position 1013, C replaced by T.
Protein change: p.Thr338Ile; replaces threonine 338 with isoleucine.
Molecular consequence: missense variant.
Genome position (GRCh38, 1-based): chr11:45,811,253, C>T. VCF-style: chr11-45811253-C-T. GRCh37 (hg19) VCF-style: chr11-45832804-C-T.
Other names: c.974C>T, p.Thr325Ile (NM_001145265.2, NM_001145266.2); short protein forms T338I, T325I.
Identifiers: ClinVar variation 304744 (VCV000304744.13), dbSNP rs768592798, ClinGen allele CA5958379.

ClinVar aggregate classification (germline): Uncertain significance. Review status: criteria provided, multiple submitters, no conflicts (2 of 4 stars). 2 submissions from 2 submitters: Uncertain significance (2). Last evaluated 2020-03-18.

Conditions:
Leukocyte adhesion deficiency type II. Also called: CONGENITAL DISORDER OF GLYCOSYLATION, TYPE IIc; CDG IIc; Congenital disorder of glycosylation type 2C; CDG 2C; Leukocyte adhesion deficiency type 2; Rambam Hasharon syndrome. Identifiers: Orphanet 2968, Orphanet 99843, MedGen C0398739, MONDO:0009953, OMIM 266265.

Allele frequency attached by ClinVar (database versions not stated): gnomAD exomes below 0.00001 and 0.00002; TOPMed below 0.00001; gnomAD 0.00001; ExAC 0.00004.
gnomAD v4.1: 6 of 1,596,548 alleles (0.00038%); highest among the groups gnomAD compares: Admixed American, 0.0051%; no homozygotes.

Submissions (2):

Labcorp Genetics (formerly Invitae), Labcorp
Classification: Uncertain significance for Leukocyte adhesion deficiency type II. Last evaluated: 2020-03-18. Review status: criteria provided, single submitter. Criteria: Invitae Variant Classification Sherloc (09022015). Collection method: clinical testing. Allele origin: germline.
Comment: In summary, the available evidence is currently insufficient to determine the role of this variant in disease. Therefore, it has been classified as a Variant of Uncertain Significance. Algorithms developed to predict the effect of missense changes on protein structure and function (SIFT, PolyPhen-2, Align-GVGD) all suggest that this variant is likely to be disruptive, but these predictions have not been confirmed by published functional studies and their clinical significance is uncertain. This variant has not been reported in the literature in individuals with SLC35C1-related conditions. ClinVar contains an entry for this variant (Variation ID: 304744). This variant is present in population databases (rs768592798, ExAC 0.02%). This sequence change replaces threonine with isoleucine at codon 338 of the SLC35C1 protein (p.Thr338Ile). The threonine residue is highly conserved and there is a moderate physicochemical difference between threonine and isoleucine.

Illumina Laboratory Services, Illumina
Classification: Uncertain significance for Leukocyte adhesion deficiency type II. Last evaluated: 2018-01-13. Review status: criteria provided, single submitter. Criteria: ICSL Variant Classification Criteria 13 December 2019. Collection method: clinical testing. Allele origin: germline.